The following is an entry in ClinVar:

ClinVar aggregate classification (germline): Conflicting classifications of pathogenicity. Review status: criteria provided, conflicting classifications (1 of 4 stars). 4 submissions from 4 submitters: Uncertain significance (1); Likely benign (3). Last evaluated 2024-08-19.

Conditions:
Dilated cardiomyopathy 1G (CMD1G). Identifiers: Orphanet 154, MedGen C1858763, MONDO:0011400, OMIM 604145.
Autosomal recessive limb-girdle muscular dystrophy type 2J (LGMDR10). Also called: MUSCULAR DYSTROPHY, LIMB-GIRDLE, AUTOSOMAL RECESSIVE 10; Limb-girdle muscular dystrophy, type 2J. Identifiers: Orphanet 140922, MedGen C1837342, MONDO:0012127, OMIM 608807.
Cardiovascular phenotype. Identifiers: MedGen CN230736.

Allele frequency attached by ClinVar (database versions not stated): gnomAD exomes below 0.00001; gnomAD 0.00001.
gnomAD v4.1: 5 of 1,613,470 alleles (0.00031%); highest among the groups gnomAD compares: African/African-American, 0.0027%; no homozygotes.

Submissions (4):

Ambry Genetics
Classification: Likely benign for Cardiovascular phenotype. Last evaluated: 2024-08-19. Review status: criteria provided, single submitter. Criteria: Ambry Variant Classification Scheme 2023. Collection method: clinical testing. Allele origin: germline.

Labcorp Genetics (formerly Invitae), Labcorp
Classification: Likely benign for Dilated cardiomyopathy 1G; Autosomal recessive limb-girdle muscular dystrophy type 2J. Last evaluated: 2024-05-10. Review status: criteria provided, single submitter. Criteria: Invitae Variant Classification Sherloc (09022015). Collection method: clinical testing. Allele origin: germline.

GeneDx
Classification: Likely benign. Last evaluated: 2017-07-31. Review status: criteria provided, single submitter. Criteria: GeneDx Variant Classification (06012015). Collection method: clinical testing. Allele origin: germline. Affected: yes.
Comment: This variant is considered likely benign or benign based on one or more of the following criteria: it is a conservative change, it occurs at a poorly conserved position in the protein, it is predicted to be benign by multiple in silico algorithms, and/or has population frequency not consistent with disease.

Eurofins Ntd Llc (ga)
Classification: Uncertain significance. Last evaluated: 2017-01-04. Review status: criteria provided, single submitter. Criteria: EGL Classification Definitions 2015. Collection method: clinical testing. Allele origin: germline. Observed: 1 variant allele, 1 heterozygote.

NM_001267550.2(TTN):c.69639T>C (p.Arg23213=)

Genes: TTN-AS1 (TTN antisense RNA 1; plus strand), TTN (titin; minus strand), LOC126806422 (BRD4-independent group 4 enhancer GRCh37_chr2:179440205-179441404; plus strand). Cytogenetic location: 2q31.2.
Variant type: single nucleotide variant.
Coding change: c.69639T>C on transcript NM_001267550.2 (MANE Select); coding-DNA position 69639, T replaced by C.
Protein change: p.Arg23213=; no amino-acid change (arginine 23213 retained).
Molecular consequence: synonymous variant.
Genome position (GRCh38, 1-based): chr2:178,576,605, A>G on the plus strand (T>C on the coding strand, the complement: TTN is on the minus strand). VCF-style: chr2-178576605-A-G. GRCh37 (hg19) VCF-style: chr2-179441332-A-G.
Other names: c.64716T>C, p.Arg21572= (NM_001256850.1); c.42444T>C, p.Arg14148= (NM_003319.4); c.61935T>C, p.Arg20645= (NM_133378.4); c.42819T>C, p.Arg14273= (NM_133432.3); c.43020T>C, p.Arg14340= (NM_133437.4).
Identifiers: ClinVar variation 499292 (VCV000499292.11), dbSNP rs1487392148, ClinGen allele CA430258584.
Genomic context (GRCh38, chr2:178,576,605, plus strand): 5'-CAGAACAGAATCTGAAGCCTCACTGGGTGGACCAATTCCTGCTCTGTTTTCTGCACTGAC[A>G]CGGAATTCGTAGGTGCTTCCTTCTTGCAGTCCTGTTACTTTGCACCTGAGATCGGAAACT-3'
Protein context (NP_001254479.2, residues 23203-23223): GLQEGSTYEF[Arg23213=]VSAENRAGIG